The following is an entry in ClinVar:

ClinVar aggregate classification (germline): Uncertain significance (1 of 4 stars; one submission).

Conditions:
Inborn genetic diseases. Identifiers: MedGen C0950123, MeSH D030342.

Submission:

Ambry Genetics
Classification: Uncertain significance for Inborn genetic diseases. Last evaluated: 2025-09-10. Review status: criteria provided, single submitter. Criteria: Ambry Variant Classification Scheme 2023. Collection method: clinical testing. Allele origin: germline.
Comment: The p.D550N variant (also known as c.1648G>A), located in coding exon 1 of the SAMD9 gene, results from a G to A substitution at nucleotide position 1648. The aspartic acid at codon 550 is replaced by asparagine, an amino acid with highly similar properties. This amino acid position is conserved. In addition, this alteration is predicted to be tolerated by in silico analysis. Based on the available evidence, the clinical significance of this variant remains unclear.

NM_017654.4(SAMD9):c.1648G>A (p.Asp550Asn)

Gene: SAMD9 (sterile alpha motif domain containing 9; minus strand). Cytogenetic location: 7q21.2.
Variant type: single nucleotide variant.
Coding change: c.1648G>A on transcript NM_017654.4 (MANE Select); coding-DNA position 1648, G replaced by A.
Protein change: p.Asp550Asn; replaces aspartic acid 550 with asparagine.
Molecular consequence: missense variant.
Genome position (GRCh38, 1-based): chr7:93,104,450, C>T on the plus strand (G>A on the coding strand, the complement: SAMD9 is on the minus strand). VCF-style: chr7-93104450-C-T. GRCh37 (hg19) VCF-style: chr7-92733763-C-T.
Other names: c.1648G>A, p.Asp550Asn (NM_001193307.2); short protein forms D550N.
Identifiers: ClinVar variation 4159218 (VCV004159218.1).